The following is an entry in ClinVar:

ClinVar aggregate classification (germline): Benign/Likely benign. Review status: criteria provided, multiple submitters, no conflicts (2 of 4 stars). 7 submissions from 7 submitters: Benign (2); Likely benign (4). 1 of the submissions does not count toward it. Last evaluated 2026-04-01.

Conditions:
Intellectual disability-microcephaly-strabismus-behavioral abnormalities syndrome. Also called: White-Sutton Syndrome. Identifiers: Orphanet 468678, MedGen C4225351, MONDO:0014606, OMIM 616364.
POGZ-related disorder. Also called: POGZ-related condition.
Inborn genetic diseases. Identifiers: MedGen C0950123, MeSH D030342.

Allele frequency attached by ClinVar (database versions not stated): 1000 Genomes Project 30x 0.00047; 1000 Genomes Project 0.00060; gnomAD 0.00083 and 0.00086; TOPMed 0.00092; ExAC 0.00094; ESP Exome Variant Server 0.00108; gnomAD exomes 0.00108 and 0.00118.
gnomAD v4.1: 1,848 of 1,613,692 alleles (0.11%); highest among the groups gnomAD compares: Admixed American, 0.14%; no homozygotes.

Submissions (7):

CeGaT Center for Human Genetics Tuebingen
Classification: Likely benign. Last evaluated: 2026-04-01. Review status: criteria provided, single submitter. Criteria: CeGaT Center For Human Genetics Tuebingen Variant Classification Criteria Version 2. Collection method: clinical testing. Allele origin: germline. Affected: yes. Observed: 13 variant alleles.
Comment: POGZ: BP4, BP7

Blueprint Genetics
Classification: Likely benign. Last evaluated: 2024-10-25. Review status: criteria provided, single submitter. Criteria: ACMG Guidelines, 2015. Collection method: clinical testing. Allele origin: germline.

Genome-Nilou Lab
Classification: Likely benign for Intellectual disability-microcephaly-strabismus-behavioral abnormalities syndrome. Last evaluated: 2023-04-11. Review status: criteria provided, single submitter. Criteria: ACMG Guidelines, 2015. Collection method: clinical testing. Allele origin: germline. Affected: no.

Labcorp Genetics (formerly Invitae), Labcorp
Classification: Benign. Last evaluated: 2019-12-31. Review status: criteria provided, single submitter. Criteria: Invitae Variant Classification Sherloc (09022015). Collection method: clinical testing. Allele origin: germline.

GeneDx
Classification: Benign. Last evaluated: 2019-02-14. Review status: criteria provided, single submitter. Criteria: GeneDx Variant Classification Process June 2021. Collection method: clinical testing. Allele origin: germline. Affected: yes.

Ambry Genetics
Classification: Likely benign for Inborn genetic diseases. Last evaluated: 2016-08-04. Review status: criteria provided, single submitter. Criteria: Ambry Variant Classification Scheme 2023. Collection method: clinical testing. Allele origin: germline.

PreventionGenetics, part of Exact Sciences
Classification: Likely benign for POGZ-related condition. Last evaluated: 2019-11-21. Review status: no assertion criteria provided. Collection method: clinical testing. Allele origin: germline. Not counted in ClinVar's aggregate classification.
Comment: This variant is classified as likely benign based on ACMG/AMP sequence variant interpretation guidelines (Richards et al. 2015 PMID: 25741868, with internal and published modifications).

NM_015100.4(POGZ):c.222C>T (p.Ser74=)

Gene: POGZ (pogo transposable element derived with ZNF domain; minus strand). Cytogenetic location: 1q21.3.
Variant type: single nucleotide variant.
Coding change: c.222C>T on transcript NM_015100.4 (MANE Select); coding-DNA position 222, C replaced by T.
Protein change: p.Ser74=; no amino-acid change (serine 74 retained).
Molecular consequence: synonymous variant. On other transcripts: intron variant (2).
Genome position (GRCh38, 1-based): chr1:151,440,989, G>A on the plus strand (C>T on the coding strand, the complement: POGZ is on the minus strand). VCF-style: chr1-151440989-G-A. GRCh37 (hg19) VCF-style: chr1-151413465-G-A.
Other names: c.222C>T, p.Ser74= (NM_001194937.2, NM_145796.4); c.124+1092C>T (NM_001194938.2, NM_207171.2).
Identifiers: ClinVar variation 588130 (VCV000588130.36), dbSNP rs145999381, ClinGen allele CA1091699.